The following is an entry in ClinVar:

ClinVar aggregate classification (germline): Uncertain significance (1 of 4 stars; one submission).

Conditions:
Fanconi anemia complementation group O. Also called: RAD51C-Related Fanconi Anemia. Identifiers: Orphanet 84, MedGen C3150653, MONDO:0013248, OMIM 613390.

Submission:

Labcorp Genetics (formerly Invitae), Labcorp
Classification: Uncertain significance for Fanconi anemia complementation group O. Last evaluated: 2021-02-17. Review status: criteria provided, single submitter. Criteria: Invitae Variant Classification Sherloc (09022015). Collection method: clinical testing. Allele origin: germline.
Comment: In summary, the available evidence is currently insufficient to determine the role of this variant in disease. Therefore, it has been classified as a Variant of Uncertain Significance. Experimental studies and prediction algorithms are not available or were not evaluated, and the functional significance of this variant is currently unknown. This variant has not been reported in the literature in individuals with RAD51C-related conditions. This variant is not present in population databases (ExAC no frequency). This sequence change results in a frameshift in the RAD51C gene (p.Lys367Asnfs*40). While this is not anticipated to result in nonsense mediated decay, it is expected to disrupt the last 10 amino acid(s) of the RAD51C protein and extend the protein by 29 additional amino acid residues.

NM_058216.3(RAD51C):c.1098del (p.Lys367fs)

Gene: RAD51C (RAD51 paralog C; plus strand). Cytogenetic location: 17q22.
Variant type: Deletion.
Coding change: c.1098del on transcript NM_058216.3 (MANE Select); coding-DNA position 1098, one base deleted (G; older notation c.1098delG).
Protein change: p.Lys367fs; shifts the reading frame from lysine 367.
Molecular consequence: frameshift variant. On other transcripts: non-coding transcript variant (1).
Genome position (GRCh38, 1-based): chr17:58,734,189, G deleted; the last of 2 consecutive G bases (chr17:58,734,188-58,734,189); deleting either gives the same sequence. VCF-style (leftmost placement, unchanged base first): chr17-58734187-CG-C. GRCh37 (hg19) VCF-style: chr17-56811548-CG-C.
Other names: short protein forms K367fs.
Identifiers: ClinVar variation 1351046 (VCV001351046.6), dbSNP rs2144062356, ClinGen allele CA2573154153.